The following is an entry in ClinVar:

NM_153676.4(USH1C):c.540C>T (p.Leu180=)

Gene: USH1C (USH1 protein network component harmonin; minus strand). Cytogenetic location: 11p15.1.
Variant type: single nucleotide variant.
Coding change: c.540C>T on transcript NM_153676.4 (MANE Select); coding-DNA position 540, C replaced by T.
Protein change: p.Leu180=; no amino-acid change (leucine 180 retained).
Molecular consequence: synonymous variant. On other transcripts: non-coding transcript variant (1).
Genome position (GRCh38, 1-based): chr11:17,526,792, G>A on the plus strand (C>T on the coding strand, the complement: USH1C is on the minus strand). VCF-style: chr11-17526792-G-A. GRCh37 (hg19) VCF-style: chr11-17548339-G-A.
Other names: c.540C>T (NM_153676.3); c.540C>T, p.Leu180= (NM_001297764.2, NM_005709.4).
Identifiers: ClinVar variation 747394 (VCV000747394.16), dbSNP rs145510974, ClinGen allele CA5904978.

ClinVar aggregate classification (germline): Conflicting classifications of pathogenicity. Review status: criteria provided, conflicting classifications (1 of 4 stars). 4 submissions from 4 submitters: Uncertain significance (1); Likely benign (3). Last evaluated 2026-01-13.

Conditions:
Usher syndrome type 1C. Also called: USHER SYNDROME, TYPE I, ACADIAN VARIETY. Identifiers: Orphanet 231169, Orphanet 886, MedGen C1848604, MONDO:0010171, OMIM 276904.
USH1C-related disorder. Also called: USH1C-related condition.

Allele frequency attached by ClinVar (database versions not stated): gnomAD exomes 0.00002 and 0.00006; ExAC 0.00003; gnomAD 0.00004 and 0.00005; TOPMed 0.00005; 1000 Genomes Project 30x 0.00016; 1000 Genomes Project 0.00020; ESP Exome Variant Server 0.00023.
gnomAD v4.1: 97 of 1,614,182 alleles (0.006%); highest among the groups gnomAD compares: Non-Finnish European, 0.0078%; no homozygotes.

Submissions (4):

Labcorp Genetics (formerly Invitae), Labcorp
Classification: Likely benign. Last evaluated: 2026-01-13. Review status: criteria provided, single submitter. Criteria: Invitae Variant Classification Sherloc (09022015). Collection method: clinical testing. Allele origin: germline.

PreventionGenetics, part of Exact Sciences
Classification: Likely benign for USH1C-related condition. Last evaluated: 2025-06-24. Review status: criteria provided, single submitter. Criteria: ACMG Guidelines, 2015. Collection method: clinical testing. Allele origin: germline.
Comment: This variant is classified as likely benign based on ACMG/AMP sequence variant interpretation guidelines (Richards et al. 2015 PMID: 25741868, with internal and published modifications).

Blueprint Genetics
Classification: Likely benign. Last evaluated: 2023-04-25. Review status: criteria provided, single submitter. Criteria: ACMG Guidelines, 2015. Collection method: clinical testing. Allele origin: germline.

Illumina Laboratory Services, Illumina
Classification: Uncertain significance for Usher syndrome type 1C. Last evaluated: 2017-04-27. Review status: criteria provided, single submitter. Criteria: ICSL Variant Classification Criteria 13 December 2019. Collection method: clinical testing. Allele origin: germline.